The following is an entry in ClinVar:

NM_001034116.2(EIF2B4):c.1322A>G (p.Tyr441Cys)

Genes: EIF2B4 (eukaryotic translation initiation factor 2B subunit delta; minus strand), GTF3C2-AS2 (GTF3C2 antisense RNA 2; plus strand). Cytogenetic location: 2p23.3.
Variant type: single nucleotide variant.
Coding change: c.1322A>G on transcript NM_001034116.2 (MANE Select); coding-DNA position 1322, A replaced by G.
Protein change: p.Tyr441Cys; replaces tyrosine 441 with cysteine.
Molecular consequence: missense variant.
Genome position (GRCh38, 1-based): chr2:27,364,768, T>C on the plus strand (A>G on the coding strand, the complement: EIF2B4 is on the minus strand). VCF-style: chr2-27364768-T-C. GRCh37 (hg19) VCF-style: chr2-27587635-T-C.
Other names: c.1385A>G, p.Tyr462Cys (NM_001318965.2); c.1277A>G, p.Tyr426Cys (NM_001318966.2); c.1229A>G, p.Tyr410Cys (NM_001318967.2); c.737A>G, p.Tyr246Cys (NM_001318968.2); c.704A>G, p.Tyr235Cys (NM_001318969.2); c.1319A>G, p.Tyr440Cys (NM_015636.4); c.1382A>G, p.Tyr461Cys (NM_172195.4); c.1322A>G (NM_001034116.1); and 1 more; short protein forms Y462C, Y426C, Y441C, Y410C, Y440C, Y235C, Y246C, Y461C.
Identifiers: ClinVar variation 1403455 (VCV001403455.7), dbSNP rs1433783398, ClinGen allele CA346196982.

ClinVar aggregate classification (germline): Conflicting classifications of pathogenicity. Review status: criteria provided, conflicting classifications (1 of 4 stars). 5 submissions from 5 submitters: Likely pathogenic (1); Uncertain significance (4). Last evaluated 2026-08-01.

Conditions:
EIF2B4-related disorder. Also called: EIF2B4-related condition.

Allele frequency attached by ClinVar (database versions not stated): gnomAD exomes below 0.00001 and 0.00001; TOPMed 0.00002.
gnomAD v4.1: 3 of 1,614,176 alleles (0.00019%); highest among the groups gnomAD compares: Admixed American, 0.0017%; no homozygotes.

Submissions (5):

CeGaT Center for Human Genetics Tuebingen
Classification: Uncertain significance. Last evaluated: 2026-08-01. Review status: criteria provided, single submitter. Criteria: CeGaT Center For Human Genetics Tuebingen Variant Classification Criteria Version 2. Collection method: clinical testing. Allele origin: germline. Affected: yes. Observed: 1 variant allele.
Comment: EIF2B4: PM2, PP3

GeneDx
Classification: Likely pathogenic. Last evaluated: 2025-05-28. Review status: criteria provided, single submitter. Criteria: GeneDx Variant Classification Process June 2021. Collection method: clinical testing. Allele origin: germline. Affected: yes.
Comment: Not observed at significant frequency in large population cohorts (gnomAD); In silico analysis supports that this missense variant has a deleterious effect on protein structure/function; Also known as c.1382A>G, p.Tyr461Cys; This variant is associated with the following publications: (PMID: 34745209, 34463036, 25761052)

PreventionGenetics, part of Exact Sciences
Classification: Uncertain significance for EIF2B4-related condition. Last evaluated: 2025-02-27. Review status: criteria provided, single submitter. Criteria: ACMG Guidelines, 2015. Collection method: clinical testing. Allele origin: germline.
Comment: The EIF2B4 c.1322A>G variant is predicted to result in the amino acid substitution p.Tyr441Cys. This variant has been reported in the compound heterozygous state along with a second potentially causative variant in a patient with vanishing white matter (Zhang et al. 2015. PubMed ID: 25761052; Table S1, Deng et al. 2021. PubMed ID: 34745209). This variant is reported in 0.0029% of alleles in individuals of Latino descent in gnomAD. Although we suspect that this variant may be pathogenic, at this time, the clinical significance of this variant is uncertain due to the absence of conclusive functional and genetic evidence.

Women's Health and Genetics/Laboratory Corporation of America, LabCorp
Classification: Uncertain significance. Last evaluated: 2024-08-26. Review status: criteria provided, single submitter. Criteria: LabCorp Variant Classification Summary - May 2015. Collection method: clinical testing. Allele origin: germline.
Comment: Variant summary: EIF2B4 c.1319A>G (p.Tyr440Cys) results in a non-conservative amino acid change in the encoded protein sequence. Four of five in-silico tools predict a damaging effect of the variant on protein function. The variant allele was found at a frequency of 4e-06 in 251472 control chromosomes. The available data on variant occurrences in the general population are insufficient to allow any conclusion about variant significance. c.1319A>G has been reported in the literature in at-least one individual affected with Leukoencephalopathy With Vanishing White Matter (example: Zheng_2015). These report(s) do not provide unequivocal conclusions about association of the variant with Leukoencephalopathy With Vanishing White Matter. To our knowledge, no experimental evidence demonstrating an impact on protein function has been reported. The following publication has been ascertained in the context of this evaluation (PMID: 25761052). ClinVar contains an entry for this variant (Variation ID: 1403455). Based on the evidence outlined above, the variant was classified as uncertain significance.

Labcorp Genetics (formerly Invitae), Labcorp
Classification: Uncertain significance. Last evaluated: 2022-07-19. Review status: criteria provided, single submitter. Criteria: Invitae Variant Classification Sherloc (09022015). Collection method: clinical testing. Allele origin: germline.
Comment: This sequence change replaces tyrosine, which is neutral and polar, with cysteine, which is neutral and slightly polar, at codon 440 of the EIF2B4 protein (p.Tyr440Cys). This variant is present in population databases (no rsID available, gnomAD 0.003%). This missense change has been observed in individual(s) with leukoencephalopathy with vanishing white matter (PMID: 25761052). This variant is also known as p.Tyr461Cys. ClinVar contains an entry for this variant (Variation ID: 1403455). Algorithms developed to predict the effect of missense changes on protein structure and function (SIFT, PolyPhen-2, Align-GVGD) all suggest that this variant is likely to be disruptive. In summary, the available evidence is currently insufficient to determine the role of this variant in disease. Therefore, it has been classified as a Variant of Uncertain Significance.

Literature cited by the submitters: PubMed 25761052 (cited by Women's Health and Genetics/Laboratory Corporation of America, LabCorp and Labcorp Genetics (formerly Invitae), Labcorp).